The following is an entry in ClinVar:

NM_014727.3(KMT2B):c.2435A>T (p.Gln812Leu)

Gene: KMT2B (lysine methyltransferase 2B; plus strand). Cytogenetic location: 19q13.12.
Variant type: single nucleotide variant.
Coding change: c.2435A>T on transcript NM_014727.3 (MANE Select); coding-DNA position 2435, A replaced by T.
Protein change: p.Gln812Leu; replaces glutamine 812 with leucine.
Molecular consequence: missense variant.
Genome position (GRCh38, 1-based): chr19:35,721,782, A>T. VCF-style: chr19-35721782-A-T. GRCh37 (hg19) VCF-style: chr19-36212684-A-T.
Other names: short protein forms Q812L.
Identifiers: ClinVar variation 4883551 (VCV004883551.2).

ClinVar aggregate classification (germline): Uncertain significance (1 of 4 stars; one submission).

Conditions:
Intellectual developmental disorder, autosomal dominant 68 (MRD68). Also called: MENTAL RETARDATION, AUTOSOMAL DOMINANT 68. Identifiers: MedGen C5677008, MONDO:0030969, OMIM 619934.

gnomAD v4.1: 13 of 1,594,090 alleles (0.00082%); highest among the groups gnomAD compares: Admixed American, 0.0051%; no homozygotes.

Submission:

Dasa
Classification: Uncertain significance for Intellectual developmental disorder, autosomal dominant 68. Last evaluated: 2025-10-17. Review status: criteria provided, single submitter. Criteria: DASA Assertion Criteria. Collection method: clinical testing. Allele origin: germline.
Comment: NM_014727.3(KMT2B):c.2435A>T (p.Gln812Leu) is a missense variant that results in the substitution of glutamine with leucine. This variant is rare in population databases. The currently available literature and clinical evidence are not sufficient to establish a definitive association between this variant and the reported condition. Therefore, this variant is classified as a variant of uncertain significance.